The following is an entry in ClinVar:

NM_004068.4(AP2M1):c.508C>T (p.Arg170Trp)

Gene: AP2M1 (adaptor related protein complex 2 subunit mu 1; plus strand). Cytogenetic location: 3q27.1.
Variant type: single nucleotide variant.
Coding change: c.508C>T on transcript NM_004068.4 (MANE Select); coding-DNA position 508, C replaced by T.
Protein change: p.Arg170Trp; replaces arginine 170 with tryptophan.
Molecular consequence: missense variant.
Genome position (GRCh38, 1-based): chr3:184,180,927, C>T. VCF-style: chr3-184180927-C-T. GRCh37 (hg19) VCF-style: chr3-183898715-C-T.
Other names: c.502C>T (NM_001025205.1); c.502C>T, p.Arg168Trp (NM_001025205.2); c.583C>T, p.Arg195Trp (NM_001311198.2); c.583C>T (NM_001311198.1); short protein forms R170W, R168W, R195W.
Identifiers: ClinVar variation 689722 (VCV000689722.29), dbSNP rs1577059692, ClinGen allele CA355424353.

ClinVar aggregate classification (germline): Pathogenic/Likely pathogenic. Review status: criteria provided, multiple submitters, no conflicts (2 of 4 stars). 11 submissions from 11 submitters: Pathogenic (6); Likely pathogenic (3). 2 of the submissions do not count toward it. Last evaluated 2025-10-06.

Conditions:
Intellectual developmental disorder 60 with seizures. Also called: MENTAL RETARDATION, AUTOSOMAL DOMINANT 60, WITH SEIZURES; INTELLECTUAL DEVELOPMENTAL DISORDER, AUTOSOMAL DOMINANT 60, WITH SEIZURES. Identifiers: MedGen C5231497, MONDO:0032823, OMIM 618587.
AP2M1-related disorder. Also called: AP2M1-related condition.
Inborn genetic diseases. Identifiers: MedGen C0950123, MeSH D030342.

Submissions (11):

3billion
Classification: Pathogenic for Intellectual developmental disorder 60 with seizures. Last evaluated: 2025-10-06. Review status: criteria provided, single submitter. Criteria: ACMG Guidelines, 2015. Collection method: clinical testing. Allele origin: germline. Affected: yes.
Comment: The variant is not observed in the gnomAD v4.1.0 dataset. Predicted Consequence/Location: Missense variant. Missense changes are a common disease-causing mechanism. Functional studies provide moderate evidence of the variant having a damaging effect on the gene or gene product (PMID: 31104773). In silico tool predictions suggest damaging effect of the variant on gene or gene product [3Cnet: 0.89 (> 0.75, sensitivity 0.96 and precision 0.92)]. The same nucleotide change resulting in the same amino acid change has been previously reported as pathogenic/likely pathogenic with strong evidence (ClinVar ID: VCV000689722 /PMID: 31104773 /3billion dataset). The variant has been previously reported as de novo in a similarly affected individual (PMID: 31104773). The variant has been observed in at least two similarly affected unrelated individuals (PMID: 31104773). Therefore, this variant is classified as Pathogenic according to the recommendation of ACMG/AMP guideline.

Ambry Genetics
Classification: Pathogenic for Inborn genetic diseases. Last evaluated: 2025-06-17. Review status: criteria provided, single submitter. Criteria: Ambry Variant Classification Scheme 2023. Collection method: clinical testing. Allele origin: germline.
Comment: The c.508C>T (p.R170W) alteration is located in exon 6 (coding exon 5) of the AP2M1 gene. This alteration results from a C to T substitution at nucleotide position 508, causing the arginine (R) at amino acid position 170 to be replaced by a tryptophan (W). This variant was not reported in population-based cohorts in the Genome Aggregation Database (gnomAD). This variant has been determined to be the result of a de novo mutation in multiple individuals with features consistent with AP2M1-related neurodevelopmental disorder (Helbig, 2019). This amino acid position is highly conserved in available vertebrate species. This missense alteration is located in a region that has a low rate of benign missense variation (Lek, 2016; Firth, 2009). In an assay testing AP2M1 function, this variant showed a functionally abnormal result (Helbig, 2019). The in silico prediction for this alteration is inconclusive. Based on the available evidence, this alteration is classified as pathogenic.

GeneDx
Classification: Pathogenic. Last evaluated: 2025-03-13. Review status: criteria provided, single submitter. Criteria: GeneDx Variant Classification Process June 2021. Collection method: clinical testing. Allele origin: germline.
Comment: De novo variant with confirmed parentage in multiple patients with AP2M1-related features referred for genetic testing at GeneDx and in the published literature (PMID: 31104773); Published functional studies suggest a damaging effect: in-vitro functional analysis suggests this variant impairs clathrin dependent endocytosis (PMID: 31104773); Not observed at significant frequency in large population cohorts (gnomAD); In silico analysis supports that this missense variant has a deleterious effect on protein structure/function; Also known as c.508C>T p.Arg170Trp; This variant is associated with the following publications: (PMID: 31671891, 33225555, 32743075, 37393044, 31104773)

Labcorp Genetics (formerly Invitae), Labcorp
Classification: Pathogenic. Last evaluated: 2025-02-02. Review status: criteria provided, single submitter. Criteria: Invitae Variant Classification Sherloc (09022015). Collection method: clinical testing. Allele origin: germline.
Comment: This sequence change replaces arginine, which is basic and polar, with tryptophan, which is neutral and slightly polar, at codon 170 of the AP2M1 protein (p.Arg170Trp). This variant is not present in population databases (gnomAD no frequency). This missense change has been observed in individual(s) with clinical features of AP2M1-related conditions and/or neurodevelopmental disorder (PMID: 31104773, 37393044). In at least one individual the variant was observed to be de novo. ClinVar contains an entry for this variant (Variation ID: 689722). An algorithm developed to predict the effect of missense changes on protein structure and function (PolyPhen-2) suggests that this variant is likely to be disruptive. Experimental studies have shown that this missense change affects AP2M1 function (PMID: 31104773). For these reasons, this variant has been classified as Pathogenic.

Blueprint Genetics
Classification: Pathogenic for AP2M1-related disorders. Last evaluated: 2022-10-12. Review status: criteria provided, single submitter. Criteria: ACMG Guidelines, 2015. Collection method: clinical testing. Allele origin: germline. Affected: yes. Observed: 1 variant allele.

Revvity Omics, Revvity
Classification: Likely pathogenic for Intellectual developmental disorder 60 with seizures. Last evaluated: 2021-09-06. Review status: criteria provided, single submitter. Criteria: ACMG Guidelines, 2015. Collection method: clinical testing. Allele origin: germline.

New York Genome Center
Classification: Pathogenic for Intellectual developmental disorder 60 with seizures. Last evaluated: 2020-01-28. Review status: criteria provided, single submitter. Criteria: NYGC Assertion Criteria 2020. Collection method: clinical testing. Allele origin: de novo. Affected: yes. Observed: 1 heterozygote. Study: CSER-NYCKidSeq.
Comment: The c.508C>T (p.Arg170Trp) variant identified in the AP2M1 gene substitutes a completely conserved Arginine for Tryptophan at amino acid 170/436 (coding exon 6/12). This variant is absent from gnomAD suggesting it is not a common benign variant in the populations represented in this database. In silico algorithms predict this variant to be Deleterious (Provean; score: -5.70) and Damaging (SIFT; score: 0.000) to the function of the canonical transcript. This variant is reported as Pathogenic in ClinVar (VarID:689722) based on literature evidence. The c.508C>T (p.Arg170Trp) variant has been identified de novo in 4 individuals with Intellectual Developmental Disorder with Seizures [PMID: 31104773]. Functional analysis of the p.Arg170Trp variant suggests it impairs clathrin dependent endocytosis, possibly via altered recognition potential of cargo membrane proteins [PMID: 31104773]. The c.508C>T (p.Arg170Trp) variant identified in the AP2M1 gene is reported here as Pathogenic.

SIB Swiss Institute of Bioinformatics
Classification: Likely pathogenic for Intellectual developmental disorder 60 with seizures. Last evaluated: 2019-12-04. Review status: criteria provided, single submitter. Criteria: ACMG Guidelines, 2015. Collection method: curation. Allele origin: unknown.
Comment: This variant is interpreted as Likely pathogenic for Intellectual developmental disorder 60 with seizures, autosomal dominant. The following ACMG Tag(s) were applied: PM2, PM6, PS3-Moderate, PS4-Supporting, PP3, PP2.

Juno Genomics, Hangzhou Juno Genomics, Inc
Classification: Likely pathogenic for Intellectual developmental disorder 60 with seizures. Review status: criteria provided, single submitter. Criteria: ACMG Guidelines, 2015. Collection method: clinical testing. Allele origin: germline. Affected: yes.
Comment: Absent from controls (or at extremely low frequency if recessive) in Genome Aggregation Database, Exome Sequencing Project, 1000 Genomes Project, or Exome Aggregation Consortium.;Well-established in vitro or in vivo functional studies supportive of a damaging effect on the gene or gene product.;Missense variant in a gene that has a low rate of benign missense variation and where missense variants are a common mechanism of disease.;The prevalence of the variant in affected individuals is significantly increased compared to the prevalence in controls.;De novo (both maternity and paternity confirmed) in a patient with the disease and no family history.;Patient's phenotype or family history is highly specific for a disease with a single genetic etiology.

Molecular Genetics laboratory, Necker Hospital
Classification: Pathogenic. Last evaluated: 2021-02-04. Review status: no assertion criteria provided. Collection method: clinical testing. Allele origin: de novo. Affected: yes. Not counted in ClinVar's aggregate classification.

OMIM
Classification: Pathogenic for INTELLECTUAL DEVELOPMENTAL DISORDER, AUTOSOMAL DOMINANT 60, WITH SEIZURES. Last evaluated: 2020-12-11. Review status: no assertion criteria provided. Collection method: literature only. Allele origin: germline. Not counted in ClinVar's aggregate classification.

Literature cited by the submitters: PubMed 31104773 (cited by 6 submitters); PubMed 37393044 (cited by Labcorp Genetics (formerly Invitae), Labcorp).